The following is an entry in ClinVar:

ClinVar aggregate classification (germline): Pathogenic. Review status: criteria provided, multiple submitters, no conflicts (2 of 4 stars). 25 submissions from 24 submitters: Pathogenic (19). 6 of the submissions do not count toward it. Last evaluated 2026-01-16.

Conditions:
Autosomal recessive PNKP-related disorders.
PNKP-related disorder. Also called: PNKP-related disorders; PNKP-related condition.
Microcephaly, seizures, and developmental delay. Identifiers: Orphanet 1934, MedGen C3150667, MONDO:0013254, OMIM 613402.
Ataxia - oculomotor apraxia type 4. Identifiers: Orphanet 459033, MedGen C4225397, MONDO:0014557, OMIM 616267.
Charcot-Marie-Tooth disease type 2B2 (CMT2B2). Also called: CHARCOT-MARIE-TOOTH DISEASE, AXONAL, TYPE 2B2; CHARCOT-MARIE-TOOTH DISEASE, NEURONAL, TYPE 2B2; Charcot-Marie-Tooth Neuropathy Type 2B2; CHARCOT-MARIE-TOOTH DISEASE, AXONAL, AUTOSOMAL RECESSIVE, TYPE 2B2. Identifiers: Orphanet 101101, MedGen C1854150, MONDO:0011570, OMIM 605589.
Inborn genetic diseases. Identifiers: MedGen C0950123, MeSH D030342.
Developmental and epileptic encephalopathy, 12 (DEE12). Identifiers: MedGen C3150988, MONDO:0013389, OMIM 613722.
Intellectual disability. Also called: Intellectual developmental disorder; Intellectual functioning disability; intellectual disabilities. Identifiers: MedGen C3714756, MeSH D008607, MONDO:0001071, HP:0001249.
Abnormality of the nervous system. Also called: Congenital nervous system disorder. Identifiers: MedGen C0497552, MONDO:0002320, HP:0000707.
Seizure. Also called: Seizures. Identifiers: MedGen C0036572, HP:0001250.

Submissions 1 to 10 of 25:

Dasa
Classification: Pathogenic. Last evaluated: 2026-01-16. Review status: criteria provided, single submitter. Criteria: DASA Assertion Criteria. Collection method: clinical testing. Allele origin: germline.
Comment: NM_007254.4(PNKP):c.1253_1269dup (p.Thr424Glyfs*49) introduces a premature termination codon predicted to result in loss of normal protein function. Loss-of-function is an established mechanism of disease for this gene. Functional evidence supports a deleterious effect on the gene or gene product (PMID: 22508754; PMID: 20118933; PMID: 23224214; PMID: 25728773). This variant has been recurrently observed in individuals with related phenotype (PMID: 22508754; PMID: 20118933; PMID: 23224214; PMID: 25728773). Segregation evidence has been reported in affected families. The variant is present at low frequency in population datasets. Based on the available data, this variant is classified as pathogenic.

Labcorp Genetics (formerly Invitae), Labcorp
Classification: Pathogenic for Developmental and epileptic encephalopathy, 12. Last evaluated: 2025-12-22. Review status: criteria provided, single submitter. Criteria: Invitae Variant Classification Sherloc (09022015). Collection method: clinical testing. Allele origin: germline.
Comment: This sequence change creates a premature translational stop signal (p.Thr424Glyfs*49) in the PNKP gene. While this is not anticipated to result in nonsense mediated decay, it is expected to disrupt the last 98 amino acid(s) of the PNKP protein. This variant is present in population databases (rs587784365, gnomAD 0.03%). This premature translational stop signal has been observed in individuals with microcephaly, early-onset, intractable seizures and developmental delay (MCSZ), ataxia with oculomotor apraxia, and progressive cerebellar atrophy and polyneuropathy (PMID: 20118933, 23224214, 25558065, 25728773). It has also been observed to segregate with disease in related individuals. This variant is also known as c.1250_1251insAACGGGTCGCCATCGAC (p.R418Tfs*55). ClinVar contains an entry for this variant (Variation ID: 4847). Algorithms developed to predict the effect of variants on gene product structure and function are not available or were not evaluated for this variant. Experimental studies have shown that this premature translational stop signal affects PNKP function (PMID: 22508754). For these reasons, this variant has been classified as Pathogenic.

Variantyx, Inc.
Classification: Pathogenic for Autosomal recessive PNKP-related disorders. Last evaluated: 2025-10-06. Review status: criteria provided, single submitter. Criteria: Variantyx Assertion Criteria 2022. Collection method: clinical testing. Allele origin: germline. Inheritance: Autosomal recessive inheritance. Affected: no.
Comment: This is a frameshift variant in the PNKP gene (OMIM: 605610). Pathogenic variants in this gene have been associated with autosomal recessive PNKP-related disorders. This variant introduces a premature termination codon in exon 14 out of 17 and is expected to result in loss of function, which is a known disease mechanism for PNKP in these disorders (PMID: 20118933, 25728773) (PVS1). It has been identified in the homozygous or compound heterozygous state in at least 8 individuals reported in the published literature (PMID: 20118933, 29498415, 31436889) (PM3_Strong) And it has been observed to segregate with disease in at least 6 individuals from 3 families (PMID: 20118933) (PP1_Moderate). This variant has a 0.0386% maximum allele frequency in non-founder control populations (PM2). Based on the current evidence, this variant is classified as pathogenic for autosomal recessive PNKP-related disorders.

First Genomix Gene Laboratory, Genetic Diagnostics Department
Classification: Pathogenic for Charcot-Marie-Tooth disease type 2B2; Ataxia - oculomotor apraxia type 4; Microcephaly, seizures, and developmental delay. Last evaluated: 2025-08-04. Review status: criteria provided, single submitter. Criteria: ACMG Guidelines, 2015. Collection method: clinical testing. Allele origin: germline. Inheritance: Autosomal recessive inheritance. Affected: no. Observed: 1 variant allele.

Cytogénomique, Hospices Civils de Lyon
Classification: Pathogenic for Seizures. Last evaluated: 2025-04-10. Review status: criteria provided, single submitter. Criteria: ACMG Guidelines, 2015. Collection method: clinical testing. Allele origin: unknown. Affected: yes. Observed: 1 variant allele, 1 homozygote.

PreventionGenetics, part of Exact Sciences
Classification: Pathogenic for PNKP-related condition. Last evaluated: 2024-11-12. Review status: criteria provided, single submitter. Criteria: ACMG Guidelines, 2015. Collection method: clinical testing. Allele origin: germline.
Comment: The PNKP c.1253_1269dup17 variant is predicted to result in a frameshift and premature protein termination (p.Thr424Glyfs*49). This variant has been reported in either the homozygous or compound heterozygous states in several patients with microcephaly, seizures, and developmental delay (reported as c.1250_1266dup, p.Thr424GlyfsX48, in Shen et al. 2010. PubMed ID: 20118933; Poulton et al. 2013. PubMed ID: 23224214). A functional study demonstrated that this variant resulted in a 10-fold reduction of cellular PNKP protein levels and greatly reduced DNA kinase activity (Reynolds et al. 2012. PubMed ID: 22508754). Frameshift variants in PNKP are expected to be pathogenic. This variant is reported in 0.029% of alleles in individuals of European (Non-Finnish) descent in gnomAD. This variant is interpreted as pathogenic in ClinVar by multiple laboratories. We also interpret this variant to be pathogenic.

Ambry Genetics
Classification: Pathogenic for Inborn genetic diseases. Last evaluated: 2024-09-16. Review status: criteria provided, single submitter. Criteria: Ambry Variant Classification Scheme 2023. Collection method: clinical testing. Allele origin: germline.
Comment: The c.1253_1269dup17 (p.T424Gfs*49) alteration, located in exon 14 (coding exon 13) of the PNKP gene, consists of a duplication of GGGTCGCCATCGACAAC at position 1253, causing a translational frameshift with a predicted alternate stop codon after 49 amino acids. This alteration occurs at the 3' terminus of the PNKP gene, is not expected to trigger nonsense-mediated mRNA decay, and impacts the last 18% of the protein. However, premature stop codons are typically deleterious in nature and a significant portion of the protein is affected (Ambry internal data). Based on data from gnomAD, the c.1253_1269dup17 allele has an overall frequency of 0.017% (38/220830) total alleles studied. The highest observed frequency was 0.029% (29/99720) of European (non-Finnish) alleles. This variant has been identified in the homozygous state and in conjunction with other PNKP variants in individuals with features consistent with PNKP-related neurological disorders; in at least one instance, the variants were identified in trans (Shen, 2010; Poulton, 2013; Bras, 2015; Scholz, 2018). Based on our internal structural assessment, this alteration results in loss of large parts of the polynucleotide kinase domain, including helices involved in DNA and NTP binding (Garces, 2011). In an assay testing PNKP function, this variant showed a functionally abnormal result (Reynolds, 2012). Based on the available evidence, this alteration is classified as pathogenic.

Blueprint Genetics
Classification: Pathogenic for PNKP-related disorders. Last evaluated: 2024-09-13. Review status: criteria provided, single submitter. Criteria: ACMG Guidelines, 2015. Collection method: clinical testing. Allele origin: germline. Affected: yes. Observed: 5 variant alleles.

Mayo Clinic Laboratories, Mayo Clinic
Classification: Pathogenic. Last evaluated: 2024-08-01. Review status: criteria provided, single submitter. Criteria: ACMG Guidelines, 2015. Collection method: clinical testing. Allele origin: germline. Observed: 1 variant allele.
Comment: PP1_strong, PP4, PM2, PM3_strong, PS3, PS4_moderate, PVS1_moderate

CeGaT Center for Human Genetics Tuebingen
Classification: Pathogenic. Last evaluated: 2023-06-01. Review status: criteria provided, single submitter. Criteria: CeGaT Center For Human Genetics Tuebingen Variant Classification Criteria Version 2. Collection method: clinical testing. Allele origin: germline. Affected: yes. Observed: 7 variant alleles.
Comment: PNKP: PM3:Very Strong, PVS1, PM2, PS3:Supporting

NM_007254.4(PNKP):c.1253_1269dup (p.Thr424fs)

Gene: PNKP (polynucleotide kinase 3'-phosphatase; minus strand). Cytogenetic location: 19q13.33.
Variant type: Duplication.
Coding change: c.1253_1269dup on transcript NM_007254.4 (MANE Select); coding-DNA positions 1253 to 1269, 17 bases duplicated (GGGTCGCCATCGACAAC).
Protein change: p.Thr424fs; shifts the reading frame from threonine 424.
Molecular consequence: frameshift variant.
Genome position (GRCh38, 1-based): chr19:49,861,801-49,861,817, GTTGTCGATGGCGACCC duplicated on the plus strand (GGGTCGCCATCGACAAC on the coding strand, the reverse complement: PNKP is on the minus strand); duplicating any 17 consecutive bases within chr19:49,861,801-49,861,820 gives the same sequence; the c. name uses the placement nearest the transcript's 3' end. VCF-style (leftmost placement, unchanged base first): chr19-49861800-T-TGTTGTCGATGGCGACCC. GRCh37 (hg19) VCF-style: chr19-50365057-T-TGTTGTCGATGGCGACCC.
Other names: p.Thr424Glyfs*49; c.1253_1269dupGGGTCGCCATCGACAAC (NM_007254.2, NM_007254.4, NM_007254.3); c.1253_1269dup17 (NM_007254.3); short protein forms T424fs.
Identifiers: ClinVar variation 4847 (VCV000004847.97), dbSNP rs587784365, ClinGen allele CA213109.